The following is an entry in ClinVar:

NM_001458.5(FLNC):c.2780_2782del (p.Ser927del)

Gene: FLNC (filamin C; plus strand). Cytogenetic location: 7q32.1.
Variant type: Deletion.
Coding change: c.2780_2782del on transcript NM_001458.5 (MANE Select); coding-DNA positions 2780 to 2782, 3 bases deleted (CCT; older notation c.2780_2782delCCT).
Protein change: p.Ser927del; deletes serine 927.
Molecular consequence: inframe deletion.
Genome position (GRCh38, 1-based): chr7:128,843,546-128,843,548, CCT deleted; deleting any 3 consecutive bases within chr7:128,843,544-128,843,548 gives the same sequence; the c. name uses the placement nearest the transcript's 3' end. VCF-style (leftmost placement, unchanged base first): chr7-128843543-ACTC-A. GRCh37 (hg19) VCF-style: chr7-128483597-ACTC-A.
Other names: c.2780_2782del, p.Ser927del (NM_001127487.2); short protein forms S927del.
Identifiers: ClinVar variation 972268 (VCV000972268.10), dbSNP rs1808429673, ClinGen allele CA1139660252.

ClinVar aggregate classification (germline): Uncertain significance (1 of 4 stars; one submission).

Conditions:
Myofibrillar myopathy 5. Also called: Filaminopathy (type); FILAMINOPATHY, AUTOSOMAL DOMINANT. Identifiers: Orphanet 171445, MedGen C1836050, MONDO:0012289, OMIM 609524.
Hypertrophic cardiomyopathy 26. Also called: Cardiomyopathy, familial hypertrophic, 26. Identifiers: Orphanet 75249, MedGen C4310749, MONDO:0014883, OMIM 617047.
Distal myopathy with posterior leg and anterior hand involvement. Also called: WILLIAMS DISTAL MYOPATHY. Identifiers: Orphanet 63273, MedGen C3279722, MONDO:0013550, OMIM 614065.

Submission:

Labcorp Genetics (formerly Invitae), Labcorp
Classification: Uncertain significance for Distal myopathy with posterior leg and anterior hand involvement; Myofibrillar myopathy 5; Hypertrophic cardiomyopathy 26. Last evaluated: 2023-05-08. Review status: criteria provided, single submitter. Criteria: Invitae Variant Classification Sherloc (09022015). Collection method: clinical testing. Allele origin: germline.
Comment: This variant, c.2780_2782del, results in the deletion of 1 amino acid(s) of the FLNC protein (p.Ser927del), but otherwise preserves the integrity of the reading frame. This variant is not present in population databases (gnomAD no frequency). This variant has not been reported in the literature in individuals affected with FLNC-related conditions. ClinVar contains an entry for this variant (Variation ID: 972268). Experimental studies and prediction algorithms are not available or were not evaluated, and the functional significance of this variant is currently unknown. In summary, the available evidence is currently insufficient to determine the role of this variant in disease. Therefore, it has been classified as a Variant of Uncertain Significance.